The following is an entry in ClinVar:

NM_004006.3(DMD):c.5521_5523dup (p.Glu1841_Arg1842insGlu)

Gene: DMD (dystrophin; minus strand). Cytogenetic location: Xp21.1.
Variant type: Duplication.
Coding change: c.5521_5523dup on transcript NM_004006.3 (MANE Select); coding-DNA positions 5521 to 5523, 3 bases duplicated (GAG; older notation c.5521_5523dupGAG).
Protein change: p.Glu1841_Arg1842insGlu.
Genome position (GRCh38, 1-based): chrX:32,346,006-32,346,008, CTC duplicated on the plus strand (GAG on the coding strand, the reverse complement: DMD is on the minus strand). VCF-style (leftmost placement, unchanged base first): chrX-32346005-T-TCTC. GRCh37 (hg19) VCF-style: chrX-32364122-T-TCTC.
Other names: c.5497_5499dup, p.Glu1833_Arg1834insGlu (NM_000109.4); c.5509_5511dup, p.Glu1837_Arg1838insGlu (NM_004009.3); c.5152_5154dup, p.Glu1718_Arg1719insGlu (NM_004010.3); c.1498_1500dup, p.Glu500_Arg501insGlu (NM_004011.4); c.1489_1491dup, p.Glu497_Arg498insGlu (NM_004012.4).
Identifiers: ClinVar variation 3703243 (VCV003703243.2).
Genomic context (GRCh38, chrX:32,346,005, plus strand): 5'-TGAGAGCATTATGTTTTGTCTGTAACAGCTGCTGTTTTATCTTTATTTCCTCTCGCTTTC[T>TCTC]CTCATCTGTGATTCTTTGTTGTAAGTTGTCTCCTCTTTGCAACAATTCTTTTACAGTACC-3'

ClinVar aggregate classification (germline): Uncertain significance (1 of 4 stars; one submission).

Conditions:
Duchenne muscular dystrophy (DMD). Also called: MUSCULAR DYSTROPHY, PSEUDOHYPERTROPHIC PROGRESSIVE, DUCHENNE TYPE; Duchenne Muscular Dystrophy (DMD). Identifiers: Orphanet 98896, MedGen C0013264, MONDO:0010679, OMIM 310200.

Submission:

Labcorp Genetics (formerly Invitae), Labcorp
Classification: Uncertain significance for Duchenne muscular dystrophy. Last evaluated: 2025-05-05. Review status: criteria provided, single submitter. Criteria: Invitae Variant Classification Sherloc (09022015). Collection method: clinical testing. Allele origin: germline.
Comment: This variant, c.5521_5523dup, results in the insertion of 1 amino acid(s) of the DMD protein (p.Glu1841dup), but otherwise preserves the integrity of the reading frame. This variant is not present in population databases (gnomAD no frequency). This variant has not been reported in the literature in individuals affected with DMD-related conditions. ClinVar contains an entry for this variant (Variation ID: 3703243). In summary, the available evidence is currently insufficient to determine the role of this variant in disease. Therefore, it has been classified as a Variant of Uncertain Significance.